The following is an entry in ClinVar:

ClinVar aggregate classification (germline): Benign/Likely benign. Review status: criteria provided, multiple submitters, no conflicts (2 of 4 stars). 3 submissions from 3 submitters: Benign (1); Likely benign (2). Last evaluated 2025-01-31.

Conditions:
Hereditary nonpolyposis colorectal neoplasms. Identifiers: MedGen C0009405, MeSH D003123.
Hereditary cancer-predisposing syndrome. Also called: Tumor predisposition; Neoplastic Syndromes, Hereditary; Hereditary neoplastic syndrome; Hereditary Cancer Syndrome. Identifiers: Orphanet 140162, MedGen C0027672, MeSH D009386, MONDO:0015356.
Lynch syndrome 4 (LYNCH4). Also called: Hereditary non-polyposis colorectal cancer, type 4; Colorectal cancer, hereditary nonpolyposis, type 4. Identifiers: Orphanet 144, MedGen C1838333, MONDO:0013699, OMIM 614337. Disease mechanism: loss of function.

Allele frequency attached by ClinVar (database versions not stated): gnomAD exomes 0.00001.
gnomAD v4.1: 9 of 1,613,964 alleles (0.00056%); highest among the groups gnomAD compares: Non-Finnish European, 0.00076%; no homozygotes.

Submissions (3):

Myriad Genetics, Inc.
Classification: Benign for Lynch syndrome 4. Last evaluated: 2025-01-31. Review status: criteria provided, single submitter. Criteria: Myriad Autosomal Dominant, Autosomal Recessive and X-Linked Classification Criteria (2023). Collection method: clinical testing. Allele origin: unknown.
Comment: This variant is considered benign. This variant is a silent/synonymous amino acid change and it is not expected to impact splicing.

Labcorp Genetics (formerly Invitae), Labcorp
Classification: Likely benign for Hereditary nonpolyposis colorectal neoplasms. Last evaluated: 2025-01-06. Review status: criteria provided, single submitter. Criteria: Invitae Variant Classification Sherloc (09022015). Collection method: clinical testing. Allele origin: germline.

Color Diagnostics, LLC DBA Color Health
Classification: Likely benign for Hereditary cancer-predisposing syndrome. Last evaluated: 2017-10-23. Review status: criteria provided, single submitter. Criteria: ACMG Guidelines, 2015. Collection method: clinical testing. Allele origin: germline.

NM_000535.7(PMS2):c.1611G>A (p.Glu537=)

Gene: PMS2 (PMS1 homolog 2, mismatch repair system component; minus strand). Cytogenetic location: 7p22.1.
Variant type: single nucleotide variant.
Coding change: c.1611G>A on transcript NM_000535.7 (MANE Select); coding-DNA position 1611, G replaced by A.
Protein change: p.Glu537=; no amino-acid change (glutamic acid 537 retained).
Molecular consequence: synonymous variant. On other transcripts: non-coding transcript variant (1).
Genome position (GRCh38, 1-based): chr7:5,987,154, C>T on the plus strand (G>A on the coding strand, the complement: PMS2 is on the minus strand). VCF-style: chr7-5987154-C-T. GRCh37 (hg19) VCF-style: chr7-6026785-C-T.
Other names: c.1206G>A, p.Glu402= (NM_001322003.2, NM_001322004.2, NM_001322005.2 and 1 more transcripts); c.1455G>A, p.Glu485= (NM_001322006.2); c.1293G>A, p.Glu431= (NM_001322007.2, NM_001322008.2); c.1050G>A, p.Glu350= (NM_001322010.2); c.678G>A, p.Glu226= (NM_001322011.2, NM_001322012.2); c.1038G>A, p.Glu346= (NM_001322013.2); c.1611G>A, p.Glu537= (NM_001322014.2); c.1302G>A, p.Glu434= (NM_001322015.2).
Identifiers: ClinVar variation 630710 (VCV000630710.5), dbSNP rs1562629833, ClinGen allele CA453746534.